The following is an entry in ClinVar:

NM_015570.4(AUTS2):c.2728A>G (p.Lys910Glu)

Gene: AUTS2 (activator of transcription and developmental regulator AUTS2; plus strand). Cytogenetic location: 7q11.22.
Variant type: single nucleotide variant.
Coding change: c.2728A>G on transcript NM_015570.4 (MANE Select); coding-DNA position 2728, A replaced by G.
Protein change: p.Lys910Glu; replaces lysine 910 with glutamic acid.
Molecular consequence: missense variant.
Genome position (GRCh38, 1-based): chr7:70,789,944, A>G. VCF-style: chr7-70789944-A-G. GRCh37 (hg19) VCF-style: chr7-70254930-A-G.
Other names: c.2656A>G, p.Lys886Glu (NM_001127231.3); short protein forms K886E, K910E.
Identifiers: ClinVar variation 3026475 (VCV003026475.22), dbSNP rs2484977725, ClinGen allele CA367664711.

ClinVar aggregate classification (germline): Uncertain significance (1 of 4 stars; one submission).

gnomAD v4.1: 2 of 1,613,878 alleles (0.00012%); no homozygotes.

Submission:

CeGaT Center for Human Genetics Tuebingen
Classification: Uncertain significance. Last evaluated: 2024-01-01. Review status: criteria provided, single submitter. Criteria: CeGaT Center For Human Genetics Tuebingen Variant Classification Criteria Version 2. Collection method: clinical testing. Allele origin: germline. Affected: yes. Observed: 1 variant allele.
Comment: AUTS2: PM2